The following is an entry in ClinVar:

NM_024675.4(PALB2):c.1639A>G (p.Thr547Ala)

Gene: PALB2 (partner and localizer of BRCA2; minus strand). Cytogenetic location: 16p12.2.
Variant type: single nucleotide variant.
Coding change: c.1639A>G on transcript NM_024675.4 (MANE Select); coding-DNA position 1639, A replaced by G.
Protein change: p.Thr547Ala; replaces threonine 547 with alanine.
Molecular consequence: missense variant. On other transcripts: intron variant (3).
Genome position (GRCh38, 1-based): chr16:23,634,907, T>C on the plus strand (A>G on the coding strand, the complement: PALB2 is on the minus strand). VCF-style: chr16-23634907-T-C. GRCh37 (hg19) VCF-style: chr16-23646228-T-C.
Other names: c.1639A>G, p.Thr547Ala (NM_001407302.1, NM_001407297.1, NM_001407298.1 and 3 more transcripts); c.754A>G, p.Thr252Ala (NM_001407304.1, NM_001407305.1, NM_001407306.1 and 5 more transcripts); c.49-5632A>G (NM_001407314.1); c.-104-4438A>G (NM_001407313.1, NM_001407312.1); c.1579A>G, p.Thr527Ala (NM_001407296.1); short protein forms T252A, T527A, T547A.
Identifiers: ClinVar variation 3667375 (VCV003667375.2).

ClinVar aggregate classification (germline): Uncertain significance (1 of 4 stars; one submission).

Conditions:
Familial cancer of breast. Also called: hereditary breast carcinoma; Hereditary breast cancer; BREAST CANCER, FAMILIAL. Identifiers: Orphanet 227535, MedGen C0346153, MONDO:0016419, OMIM 114480. Disease mechanism: loss of function.

Submission:

Labcorp Genetics (formerly Invitae), Labcorp
Classification: Uncertain significance for Familial cancer of breast. Last evaluated: 2025-01-29. Review status: criteria provided, single submitter. Criteria: Invitae Variant Classification Sherloc (09022015). Collection method: clinical testing. Allele origin: germline.
Comment: This sequence change replaces threonine, which is neutral and polar, with alanine, which is neutral and non-polar, at codon 547 of the PALB2 protein (p.Thr547Ala). This variant is not present in population databases (gnomAD no frequency). This variant has not been reported in the literature in individuals affected with PALB2-related conditions. Invitae Evidence Modeling of protein sequence and biophysical properties (such as structural, functional, and spatial information, amino acid conservation, physicochemical variation, residue mobility, and thermodynamic stability) indicates that this missense variant is not expected to disrupt PALB2 protein function with a negative predictive value of 80%. In summary, the available evidence is currently insufficient to determine the role of this variant in disease. Therefore, it has been classified as a Variant of Uncertain Significance.